The following is an entry in ClinVar:

GRCh37/hg19 15q11.2-13.1(chr15:23620192-28545459)x3

Genes: ATP10A (ATPase phospholipid transporting 10A (putative); minus strand), GABRA5 (gamma-aminobutyric acid type A receptor subunit alpha5; plus strand), GABRB3 (gamma-aminobutyric acid type A receptor subunit beta3; minus strand), GABRG3 (gamma-aminobutyric acid type A receptor subunit gamma3; plus strand), GOLGA6L2 (golgin A6 family like 2; minus strand) and 19 more. Cytogenetic location: 15q11.2-13.1.
Variant type: copy number gain.
Change: copy number 3 (three copies instead of two) of chr15:23,620,192-28,545,459 (4.93 Mb, GRCh37 coordinates, 1-based), cytogenetic band 15q11.2-13.1.
Identifiers: ClinVar variation 1807576 (VCV001807576.1).

ClinVar aggregate classification (germline): Pathogenic (1 of 4 stars; one submission).

Submission:

Quest Diagnostics Nichols Institute San Juan Capistrano
Classification: Pathogenic. Last evaluated: 2021-12-06. Review status: criteria provided, single submitter. Criteria: ACMG/ClinGen CNV Guidelines, 2019. Collection method: clinical testing. Allele origin: unknown.
Comment: The 15q11q13 recurrent duplication interval (BP2-BP3) of the Prader-Willi/Angelman critical region is associated with 15q11-q13 duplication syndrome (OMIM 608636). Clinical features can vary between and within families and can include autism, intellectual disability, ataxia, seizures, developmental delays, and behavioral problems. Evidence suggests a parent-of-origin effect, with maternally derived duplications being more frequently associated with abnormal phenotypes. Paternally derived duplications have been reported often in unaffected individuals; however, there also have been identified in some individuals with clinical phenotypes, including autism (Urraca et al., Autism Res. 2013 Aug;6(4):268-79,PMID: 23495136) and seizures (Marini et al., Am J Med Genet A. 2013 Jun;161A(6):1459-64. PMID: 23633446). See GeneReviews for additional information and references.